The following is an entry in ClinVar:

ClinVar aggregate classification (germline): Likely pathogenic (1 of 4 stars; one submission).

Conditions:
Aortic valve disease 1 (AOVD1). Identifiers: MedGen C3887892, MONDO:0024523, OMIM 109730.

Submission:

3billion
Classification: Likely pathogenic for Aortic valve disease 1. Last evaluated: 2023-08-18. Review status: criteria provided, single submitter. Criteria: ACMG Guidelines, 2015. Collection method: clinical testing. Allele origin: germline. Affected: yes.
Comment: The variant is not observed in the gnomAD v2.1.1 dataset. Predicted Consequence/Location: Missense changes are a common disease-causing mechanism. In silico tool predictions suggest damaging effect of the variant on gene or gene product [REVEL: 0.99 (>=0.6, sensitivity 0.68 and specificity 0.92); 3Cnet: 0.03 (>=0.6, sensitivity 0.72 and precision 0.9)]. Same nucleotide change resulting in same amino acid change has been previously reported to be associated with NOTCH1 related disorder (PMID: 30582441). However, the evidence of pathogenicity is insufficient at this time. The variant has been previously reported as assumed (i.e. paternity and maternity not confirmed) de novo in at least one similarly affected unrelated individual (PMID: 30582441). A different missense change at the same codon (p.Gly200Arg) has been reported to be associated with NOTCH1 related disorder (PMID: 25500235). Therefore, this variant is classified as Likely pathogenic according to the recommendation of ACMG/AMP guideline.

Literature cited by the submitters: PubMed 30582441; PubMed 25500235.

NM_017617.5(NOTCH1):c.599G>T (p.Gly200Val)

Gene: NOTCH1 (notch receptor 1; minus strand). Cytogenetic location: 9q34.3.
Variant type: single nucleotide variant.
Coding change: c.599G>T on transcript NM_017617.5 (MANE Select); coding-DNA position 599, G replaced by T.
Protein change: p.Gly200Val; replaces glycine 200 with valine.
Molecular consequence: missense variant.
Genome position (GRCh38, 1-based): chr9:136,522,993, C>A on the plus strand (G>T on the coding strand, the complement: NOTCH1 is on the minus strand). VCF-style: chr9-136522993-C-A. GRCh37 (hg19) VCF-style: chr9-139417445-C-A.
Other names: short protein forms G200V.
Identifiers: ClinVar variation 3775410 (VCV003775410.1).